The following is an entry in ClinVar:

ClinVar aggregate classification (germline): Conflicting classifications of pathogenicity. Review status: criteria provided, conflicting classifications (1 of 4 stars). 2 submissions from 2 submitters: Likely pathogenic (1); Uncertain significance (1). Last evaluated 2026-06-24.

Conditions:
Hereditary cancer-predisposing syndrome. Also called: Hereditary Cancer Syndrome; Hereditary neoplastic syndrome; Neoplastic Syndromes, Hereditary; Tumor predisposition. Identifiers: Orphanet 140162, MedGen C0027672, MeSH D009386, MONDO:0015356.

Allele frequency attached by ClinVar (database versions not stated): gnomAD exomes below 0.00001.
gnomAD v4.1: 1 of 1,613,666 alleles (0.000062%); highest among the groups gnomAD compares: Non-Finnish European, 0.000085%; no homozygotes.

Submissions (2):

Ambry Genetics
Classification: Likely pathogenic for Hereditary cancer-predisposing syndrome. Last evaluated: 2026-06-24. Review status: criteria provided, single submitter. Criteria: Ambry Variant Classification Scheme 2023. Collection method: clinical testing. Allele origin: germline.
Comment: The p.L79R variant (also known as c.236T>G), located in coding exon 3 of the SDHD gene, results from a T to G substitution at nucleotide position 236. The leucine at codon 79 is replaced by arginine, an amino acid with dissimilar properties. This variant was reported in individual(s) with features consistent with SDHD-related hereditary pheochromocytoma-paraganglioma (Yonamine M et al. Cancers (Basel), 2021 Aug;13; Prasad C et al. SAGE Open Med Case Rep, 2014 Oct;2:2050313X14553520; Ambry internal data). This variant is considered to be rare based on population cohorts in the Genome Aggregation Database (gnomAD). This amino acid position is well conserved in available vertebrate species. In addition, this alteration is predicted to be deleterious by in silico analysis. Based on the majority of available evidence to date, this variant is likely to be pathogenic.

Quest Diagnostics Nichols Institute San Juan Capistrano
Classification: Uncertain significance. Last evaluated: 2021-07-16. Review status: criteria provided, single submitter. Criteria: Quest Diagnostics criteria. Collection method: clinical testing. Allele origin: unknown.

Literature cited by the submitters: PubMed 27489656 (cited by Ambry Genetics and Quest Diagnostics Nichols Institute San Juan Capistrano); PubMed 34439168 (cited by Ambry Genetics); PubMed 25328978 (cited by Quest Diagnostics Nichols Institute San Juan Capistrano).

NM_003002.4(SDHD):c.236T>G (p.Leu79Arg)

Gene: SDHD (succinate dehydrogenase complex subunit D; plus strand). Cytogenetic location: 11q23.1.
Variant type: single nucleotide variant.
Coding change: c.236T>G on transcript NM_003002.4 (MANE Select); coding-DNA position 236, T replaced by G.
Protein change: p.Leu79Arg; replaces leucine 79 with arginine.
Molecular consequence: missense variant. On other transcripts: non-coding transcript variant (1), intron variant (1).
Genome position (GRCh38, 1-based): chr11:112,088,933, T>G. VCF-style: chr11-112088933-T-G. GRCh37 (hg19) VCF-style: chr11-111959657-T-G.
Other names: c.119T>G, p.Leu40Arg (NM_001276504.2); c.236T>G, p.Leu79Arg (NM_001276506.2); c.169+960T>G (NM_001276503.2); c.236T>G (NM_003002.2); short protein forms L40R, L79R.
Identifiers: ClinVar variation 1809575 (VCV001809575.2), dbSNP rs2498904863, ClinGen allele CA382617287.